The following is an entry in ClinVar:

ClinVar aggregate classification (germline): Likely benign. Review status: criteria provided, multiple submitters, no conflicts (2 of 4 stars). 3 submissions from 3 submitters: Likely benign (2). 1 of the submissions does not count toward it. Last evaluated 2026-01-13.

Conditions:
OTOF-related disorder. Also called: OTOF-related condition.

Allele frequency attached by ClinVar (database versions not stated): gnomAD exomes 0.00007; ExAC 0.00008; ESP Exome Variant Server 0.00023; TOPMed 0.00023; gnomAD 0.00024 and 0.00026.
gnomAD v4.1: 290 of 1,610,424 alleles (0.018%); highest among the groups gnomAD compares: African/African-American, 0.08%; no homozygotes.

Submissions (3):

Labcorp Genetics (formerly Invitae), Labcorp
Classification: Likely benign. Last evaluated: 2026-01-13. Review status: criteria provided, single submitter. Criteria: Invitae Variant Classification Sherloc (09022015). Collection method: clinical testing. Allele origin: germline.

Blueprint Genetics
Classification: Likely benign. Last evaluated: 2024-11-13. Review status: criteria provided, single submitter. Criteria: ACMG Guidelines, 2015. Collection method: clinical testing. Allele origin: germline.

PreventionGenetics, part of Exact Sciences
Classification: Likely benign for OTOF-related condition. Last evaluated: 2019-06-19. Review status: no assertion criteria provided. Collection method: clinical testing. Allele origin: germline. Not counted in ClinVar's aggregate classification.
Comment: This variant is classified as likely benign based on ACMG/AMP sequence variant interpretation guidelines (Richards et al. 2015 PMID: 25741868, with internal and published modifications).

NM_194248.3(OTOF):c.2664G>A (p.Thr888=)

Gene: OTOF (otoferlin; minus strand). Cytogenetic location: 2p23.3.
Variant type: single nucleotide variant.
Coding change: c.2664G>A on transcript NM_194248.3 (MANE Select); coding-DNA position 2664, G replaced by A.
Protein change: p.Thr888=; no amino-acid change (threonine 888 retained).
Molecular consequence: synonymous variant.
Genome position (GRCh38, 1-based): chr2:26,476,903, C>T on the plus strand (G>A on the coding strand, the complement: OTOF is on the minus strand). VCF-style: chr2-26476903-C-T. GRCh37 (hg19) VCF-style: chr2-26699771-C-T.
Other names: c.2664G>A, p.Thr888= (NM_001287489.2); c.423G>A, p.Thr141= (NM_004802.4, NM_194323.3); c.594G>A, p.Thr198= (NM_194322.3).
Identifiers: ClinVar variation 743968 (VCV000743968.11), dbSNP rs112230402, ClinGen allele CA1563822.